The following is an entry in ClinVar:

ClinVar aggregate classification (germline): Conflicting classifications of pathogenicity. Review status: criteria provided, conflicting classifications (1 of 4 stars). 2 submissions from 2 submitters: Uncertain significance (1); Likely benign (1). Last evaluated 2023-12-28.

Conditions:
Renal cell carcinoma. Identifiers: Orphanet 217071, MedGen C0007134, MeSH D002292, MONDO:0005086, HP:0005584.
Hereditary cancer-predisposing syndrome. Also called: Tumor predisposition; Hereditary Cancer Syndrome; Hereditary neoplastic syndrome; Neoplastic Syndromes, Hereditary. Identifiers: Orphanet 140162, MedGen C0027672, MeSH D009386, MONDO:0015356.

Allele frequency attached by ClinVar (database versions not stated): ExAC 0.00001; gnomAD 0.00001; TOPMed 0.00001; ESP Exome Variant Server 0.00008.
gnomAD v4.1: 1 of 1,613,858 alleles (0.000062%); highest among the groups gnomAD compares: Non-Finnish European, 0.000085%; no homozygotes.

Submissions (2):

Ambry Genetics
Classification: Likely benign for Hereditary cancer-predisposing syndrome. Last evaluated: 2023-12-28. Review status: criteria provided, single submitter. Criteria: Ambry Variant Classification Scheme 2023. Collection method: clinical testing. Allele origin: germline.

Labcorp Genetics (formerly Invitae), Labcorp
Classification: Uncertain significance for Renal cell carcinoma. Last evaluated: 2022-02-20. Review status: criteria provided, single submitter. Criteria: Invitae Variant Classification Sherloc (09022015). Collection method: clinical testing. Allele origin: germline.
Comment: In summary, the available evidence is currently insufficient to determine the role of this variant in disease. Therefore, it has been classified as a Variant of Uncertain Significance. Algorithms developed to predict the effect of missense changes on protein structure and function are either unavailable or do not agree on the potential impact of this missense change (SIFT: "Deleterious"; PolyPhen-2: "Probably Damaging"; Align-GVGD: "Class C0"). ClinVar contains an entry for this variant (Variation ID: 485766). This variant has not been reported in the literature in individuals affected with MET-related conditions. This variant is present in population databases (rs376097698, gnomAD 0.0009%). This sequence change replaces leucine, which is neutral and non-polar, with isoleucine, which is neutral and non-polar, at codon 185 of the MET protein (p.Leu185Ile).

NM_000245.4(MET):c.553C>A (p.Leu185Ile)

Gene: MET (MET proto-oncogene, receptor tyrosine kinase; plus strand). Cytogenetic location: 7q31.2.
Variant type: single nucleotide variant.
Coding change: c.553C>A on transcript NM_000245.4 (MANE Select); coding-DNA position 553, C replaced by A.
Protein change: p.Leu185Ile; replaces leucine 185 with isoleucine.
Molecular consequence: missense variant. On other transcripts: intron variant (1).
Genome position (GRCh38, 1-based): chr7:116,699,637, C>A. VCF-style: chr7-116699637-C-A. GRCh37 (hg19) VCF-style: chr7-116339691-C-A.
Other names: c.553C>A, p.Leu185Ile (NM_001127500.3, NM_001324401.3); c.-91+27060C>A (NM_001324402.2); short protein forms L185I.
Identifiers: ClinVar variation 485766 (VCV000485766.15), dbSNP rs376097698, ClinGen allele CA4448005.
Genomic context (GRCh38, chr7:116,699,637, plus strand): 5'-CAGATAGAAGAGCCCAGCCAGTGTCCTGACTGTGTGGTGAGCGCCCTGGGAGCCAAAGTC[C>A]TTTCATCTGTAAAGGACCGGTTCATCAACTTCTTTGTAGGCAATACCATAAATTCTTCTT-3'
Protein context (NP_000236.2, residues 175-195): CVVSALGAKV[Leu185Ile]SSVKDRFINF